The following is an entry in ClinVar:

NM_170601.5(SIAE):c.1016T>C (p.Ile339Thr)

Gene: SIAE (sialic acid acetylesterase; minus strand). Cytogenetic location: 11q24.2.
Variant type: single nucleotide variant.
Coding change: c.1016T>C on transcript NM_170601.5 (MANE Select); coding-DNA position 1016, T replaced by C.
Protein change: p.Ile339Thr; replaces isoleucine 339 with threonine.
Molecular consequence: missense variant.
Genome position (GRCh38, 1-based): chr11:124,639,818, A>G on the plus strand (T>C on the coding strand, the complement: SIAE is on the minus strand). VCF-style: chr11-124639818-A-G. GRCh37 (hg19) VCF-style: chr11-124509714-A-G.
Other names: c.911T>C, p.Ile304Thr (NM_001199922.2); short protein forms I304T, I339T.
Identifiers: ClinVar variation 2081498 (VCV002081498.4), dbSNP rs760427753, ClinGen allele CA6341324.

ClinVar aggregate classification (germline): Uncertain significance (1 of 4 stars; one submission).

Allele frequency attached by ClinVar (database versions not stated): gnomAD 0.00004; TOPMed 0.00009; gnomAD exomes 0.00010; ExAC 0.00021.
gnomAD v4.1: 63 of 1,614,096 alleles (0.0039%); highest among the groups gnomAD compares: Admixed American, 0.1%; no homozygotes.

Submission:

Labcorp Genetics (formerly Invitae), Labcorp
Classification: Uncertain significance. Last evaluated: 2025-11-23. Review status: criteria provided, single submitter. Criteria: Invitae Variant Classification Sherloc (09022015). Collection method: clinical testing. Allele origin: germline.
Comment: This sequence change replaces isoleucine, which is neutral and non-polar, with threonine, which is neutral and polar, at codon 339 of the SIAE protein (p.Ile339Thr). This variant is present in population databases (rs760427753, gnomAD 0.1%), and has an allele count higher than expected for a pathogenic variant. This variant has not been reported in the literature in individuals affected with SIAE-related conditions. ClinVar contains an entry for this variant (Variation ID: 2081498). An algorithm developed to predict the effect of missense changes on protein structure and function (PolyPhen-2) suggests that this variant is likely to be disruptive. In summary, the available evidence is currently insufficient to determine the role of this variant in disease. Therefore, it has been classified as a Variant of Uncertain Significance.